The following is an entry in ClinVar:

ClinVar aggregate classification (germline): Likely pathogenic (1 of 4 stars; one submission).

Conditions:
Autosomal recessive limb-girdle muscular dystrophy type 2J (LGMDR10). Also called: MUSCULAR DYSTROPHY, LIMB-GIRDLE, AUTOSOMAL RECESSIVE 10; Limb-girdle muscular dystrophy, type 2J. Identifiers: Orphanet 140922, MedGen C1837342, MONDO:0012127, OMIM 608807.
Dilated cardiomyopathy 1G (CMD1G). Identifiers: Orphanet 154, MedGen C1858763, MONDO:0011400, OMIM 604145.

Submission:

Labcorp Genetics (formerly Invitae), Labcorp
Classification: Likely pathogenic for Dilated cardiomyopathy 1G; Autosomal recessive limb-girdle muscular dystrophy type 2J. Last evaluated: 2025-06-22. Review status: criteria provided, single submitter. Criteria: Invitae Variant Classification Sherloc (09022015). Collection method: clinical testing. Allele origin: germline.
Comment: This sequence change creates a premature translational stop signal (p.Arg33914Lysfs*4) in the TTN gene. While this is not anticipated to result in nonsense mediated decay, it is expected to create a truncated TTN protein. This variant is not present in population databases (gnomAD no frequency). This variant has not been reported in the literature in individuals affected with TTN-related conditions. This variant is located in the M band of TTN (PMID: 25589632). Truncating variants in this region have been previously reported in individuals affected with autosomal dominant or autosomal recessive myopathy and muscular dystrophy (PMID: 18948003, 23975875, 24395473). Truncating variants in this region have also been identified in individuals affected with autosomal dominant dilated cardiomyopathy and/or cardio-related conditions (PMID: 27869827, 32964742, internal data). In summary, the currently available evidence indicates that the variant is pathogenic, but additional data are needed to prove that conclusively. Therefore, this variant has been classified as Likely Pathogenic.

Literature cited by the submitters: PubMed 25589632; PubMed 18948003; PubMed 23975875; PubMed 24395473; PubMed 27869827; PubMed 32964742.

NM_001267550.2(TTN):c.101741del (p.Arg33914fs)

Genes: TTN-AS1 (TTN antisense RNA 1; plus strand), TTN (titin; minus strand). Cytogenetic location: 2q31.2.
Variant type: Deletion.
Coding change: c.101741del on transcript NM_001267550.2 (MANE Select); coding-DNA position 101741, one base deleted (G; older notation c.101741delG).
Protein change: p.Arg33914fs; shifts the reading frame from arginine 33914.
Molecular consequence: frameshift variant.
Genome position (GRCh38, 1-based): chr2:178,534,874, C deleted on the plus strand (G on the coding strand, the reverse complement: TTN is on the minus strand). VCF-style (leftmost placement, unchanged base first): chr2-178534873-TC-T. GRCh37 (hg19) VCF-style: chr2-179399600-TC-T.
Other names: c.96818del, p.Arg32273fs (NM_001256850.1); c.74546del, p.Arg24849fs (NM_003319.4); c.94037del, p.Arg31346fs (NM_133378.4); c.74921del, p.Arg24974fs (NM_133432.3); c.75122del, p.Arg25041fs (NM_133437.4); short protein forms R32273fs, R24849fs, R25041fs, R31346fs, R24974fs, R33914fs.
Identifiers: ClinVar variation 4793289 (VCV004793289.1).